The following is an entry in ClinVar:

NM_018082.6(POLR3B):c.2929G>A (p.Val977Ile)

Genes: POLR3B (RNA polymerase III subunit B; plus strand), RFX4-AS1 (RFX4 antisense RNA 1; minus strand). Cytogenetic location: 12q23.3.
Variant type: single nucleotide variant.
Coding change: c.2929G>A on transcript NM_018082.6 (MANE Select); coding-DNA position 2929, G replaced by A.
Protein change: p.Val977Ile; replaces valine 977 with isoleucine.
Molecular consequence: missense variant.
Genome position (GRCh38, 1-based): chr12:106,496,863, G>A. VCF-style: chr12-106496863-G-A. GRCh37 (hg19) VCF-style: chr12-106890641-G-A.
Other names: c.2755G>A, p.Val919Ile (NM_001160708.2); c.2929G>A (NM_018082.5); short protein forms V919I, V977I.
Identifiers: ClinVar variation 3606098 (VCV003606098.4).

ClinVar aggregate classification (germline): Uncertain significance. Review status: criteria provided, multiple submitters, no conflicts (2 of 4 stars). 3 submissions from 3 submitters: Uncertain significance (3). Last evaluated 2025-04-28.

Conditions:
Inborn genetic diseases. Identifiers: MedGen C0950123, MeSH D030342.

gnomAD v4.1: 96 of 1,614,040 alleles (0.0059%); highest among the groups gnomAD compares: Admixed American, 0.01%; no homozygotes.

Submissions (3):

Ambry Genetics
Classification: Uncertain significance for Inborn genetic diseases. Last evaluated: 2025-04-28. Review status: criteria provided, single submitter. Criteria: Ambry Variant Classification Scheme 2023. Collection method: clinical testing. Allele origin: germline.

Labcorp Genetics (formerly Invitae), Labcorp
Classification: Uncertain significance. Last evaluated: 2024-07-16. Review status: criteria provided, single submitter. Criteria: Invitae Variant Classification Sherloc (09022015). Collection method: clinical testing. Allele origin: germline.
Comment: This sequence change replaces valine, which is neutral and non-polar, with isoleucine, which is neutral and non-polar, at codon 977 of the POLR3B protein (p.Val977Ile). This variant is present in population databases (rs199545845, gnomAD 0.02%). This variant has not been reported in the literature in individuals affected with POLR3B-related conditions. Advanced modeling of protein sequence and biophysical properties (such as structural, functional, and spatial information, amino acid conservation, physicochemical variation, residue mobility, and thermodynamic stability) performed at Invitae indicates that this missense variant is not expected to disrupt POLR3B protein function with a negative predictive value of 80%. In summary, the available evidence is currently insufficient to determine the role of this variant in disease. Therefore, it has been classified as a Variant of Uncertain Significance.

Blueprint Genetics
Classification: Uncertain significance. Last evaluated: 2024-03-13. Review status: criteria provided, single submitter. Criteria: ACMG Guidelines, 2015. Collection method: clinical testing. Allele origin: germline.